The following is an entry in ClinVar:

NM_019066.5(MAGEL2):c.2395G>A (p.Ala799Thr)

Gene: MAGEL2 (MAGE family member L2; minus strand). Cytogenetic location: 15q11.2.
Variant type: single nucleotide variant.
Coding change: c.2395G>A on transcript NM_019066.5 (MANE Select); coding-DNA position 2395, G replaced by A.
Protein change: p.Ala799Thr; replaces alanine 799 with threonine.
Molecular consequence: missense variant.
Genome position (GRCh38, 1-based): chr15:23,645,348, C>T on the plus strand (G>A on the coding strand, the complement: MAGEL2 is on the minus strand). VCF-style: chr15-23645348-C-T. GRCh37 (hg19) VCF-style: chr15-23890495-C-T.
Other names: short protein forms A799T.
Identifiers: ClinVar variation 3030754 (VCV003030754.3), dbSNP rs1208375186, ClinGen allele CA391331981.

ClinVar aggregate classification (germline): Uncertain significance (1 of 4 stars; one submission).

Conditions:
MAGEL2-related disorder. Also called: MAGEL2-related condition.

Allele frequency attached by ClinVar (database versions not stated): gnomAD 0.00001; TOPMed 0.00002.
gnomAD v4.1: 10 of 1,613,870 alleles (0.00062%); highest among the groups gnomAD compares: Non-Finnish European, 0.00076%; no homozygotes.

Submission:

PreventionGenetics, part of Exact Sciences
Classification: Uncertain significance for MAGEL2-related condition. Last evaluated: 2025-12-23. Review status: criteria provided, single submitter. Criteria: ACMG Guidelines, 2015. Collection method: clinical testing. Allele origin: germline.
Comment: The MAGEL2 c.2395G>A variant is predicted to result in the amino acid substitution p.Ala799Thr. To our knowledge, this variant has not been reported in the literature. This variant is reported in 0.00089% of alleles in individuals of European (Non-Finnish) descent in gnomAD. At this time, the clinical significance of this variant is uncertain due to the absence of conclusive functional and genetic evidence.